The following is an entry in ClinVar:

NM_207122.2(EXT2):c.571A>T (p.Met191Leu)

Gene: EXT2 (exostosin glycosyltransferase 2; plus strand). Cytogenetic location: 11p11.2.
Variant type: single nucleotide variant.
Coding change: c.571A>T on transcript NM_207122.2 (MANE Select); coding-DNA position 571, A replaced by T.
Protein change: p.Met191Leu; replaces methionine 191 with leucine.
Molecular consequence: missense variant.
Genome position (GRCh38, 1-based): chr11:44,109,228, A>T. VCF-style: chr11-44109228-A-T. GRCh37 (hg19) VCF-style: chr11-44130778-A-T.
Other names: c.670A>T, p.Met224Leu (NM_000401.3); c.571A>T, p.Met191Leu (NM_001178083.3, NM_001389628.1, NM_001389630.1); short protein forms M224L, M191L.
Identifiers: ClinVar variation 3704990 (VCV003704990.2).

ClinVar aggregate classification (germline): Uncertain significance (1 of 4 stars; one submission).

Conditions:
Exostoses, multiple, type 2 (EXT2). Also called: Hereditary Multiple Osteochondromatosis, Type II; EXOSTOSES, MULTIPLE, TYPE II. Identifiers: Orphanet 321, MedGen C1851413, MONDO:0007586, OMIM 133701.

Submission:

Labcorp Genetics (formerly Invitae), Labcorp
Classification: Uncertain significance for Exostoses, multiple, type 2. Last evaluated: 2024-12-21. Review status: criteria provided, single submitter. Criteria: Invitae Variant Classification Sherloc (09022015). Collection method: clinical testing. Allele origin: germline.
Comment: This sequence change replaces methionine, which is neutral and non-polar, with leucine, which is neutral and non-polar, at codon 191 of the EXT2 protein (p.Met191Leu). This variant is present in population databases (no rsID available, gnomAD 0.01%). This variant has not been reported in the literature in individuals affected with EXT2-related conditions. Invitae Evidence Modeling of protein sequence and biophysical properties (such as structural, functional, and spatial information, amino acid conservation, physicochemical variation, residue mobility, and thermodynamic stability) indicates that this missense variant is not expected to disrupt EXT2 protein function with a negative predictive value of 95%. In summary, the available evidence is currently insufficient to determine the role of this variant in disease. Therefore, it has been classified as a Variant of Uncertain Significance.